The following is an entry in ClinVar:

ClinVar aggregate classification (germline): Likely benign. Review status: criteria provided, single submitter (1 of 4 stars). 2 submissions from 2 submitters: Likely benign (1). 1 of the submissions does not count toward it. Last evaluated 2018-09-11.

Conditions:
SEMA3D-related disorder. Also called: SEMA3D-related condition.

Allele frequency attached by ClinVar (database versions not stated): TOPMed 0.00002; gnomAD 0.00003.
gnomAD v4.1: 74 of 1,613,470 alleles (0.0046%); highest among the groups gnomAD compares: Non-Finnish European, 0.0054%; 1 homozygote.

Submissions (2):

Labcorp Genetics (formerly Invitae), Labcorp
Classification: Likely benign. Last evaluated: 2018-09-11. Review status: criteria provided, single submitter. Criteria: Invitae Variant Classification Sherloc (09022015). Collection method: clinical testing. Allele origin: germline.

PreventionGenetics, part of Exact Sciences
Classification: Likely benign for SEMA3D-related condition. Last evaluated: 2023-01-19. Review status: no assertion criteria provided. Collection method: clinical testing. Allele origin: germline. Not counted in ClinVar's aggregate classification.
Comment: This variant is classified as likely benign based on ACMG/AMP sequence variant interpretation guidelines (Richards et al. 2015 PMID: 25741868, with internal and published modifications).

NM_001384900.1(SEMA3D):c.924G>A (p.Leu308=)

Gene: SEMA3D (semaphorin 3D; minus strand). Cytogenetic location: 7q21.11.
Variant type: single nucleotide variant.
Coding change: c.924G>A on transcript NM_001384900.1 (MANE Select); coding-DNA position 924, G replaced by A.
Protein change: p.Leu308=; no amino-acid change (leucine 308 retained).
Molecular consequence: synonymous variant.
Genome position (GRCh38, 1-based): chr7:85,042,223, C>T on the plus strand (G>A on the coding strand, the complement: SEMA3D is on the minus strand). VCF-style: chr7-85042223-C-T. GRCh37 (hg19) VCF-style: chr7-84671539-C-T.
Other names: c.924G>A, p.Leu308= (NM_001384901.1, NM_001384902.1, NM_001384903.1 and 1 more transcripts).
Identifiers: ClinVar variation 762930 (VCV000762930.4), dbSNP rs545667383, ClinGen allele CA4323583.